The following is an entry in ClinVar:

NM_015346.4(ZFYVE26):c.4028G>A (p.Arg1343Lys)

Gene: ZFYVE26 (zinc finger FYVE-type containing 26; minus strand). Cytogenetic location: 14q24.1.
Variant type: single nucleotide variant.
Coding change: c.4028G>A on transcript NM_015346.4 (MANE Select); coding-DNA position 4028, G replaced by A.
Protein change: p.Arg1343Lys; replaces arginine 1343 with lysine.
Molecular consequence: missense variant.
Genome position (GRCh38, 1-based): chr14:67,783,124, C>T on the plus strand (G>A on the coding strand, the complement: ZFYVE26 is on the minus strand). VCF-style: chr14-67783124-C-T. GRCh37 (hg19) VCF-style: chr14-68249841-C-T.
Other names: short protein forms R1343K.
Identifiers: ClinVar variation 2414483 (VCV002414483.4), dbSNP rs184263440, ClinGen allele CA7239852.

ClinVar aggregate classification (germline): Uncertain significance (1 of 4 stars; one submission).

Conditions:
Spastic paraplegia. Identifiers: MedGen C0037772, HP:0001258.

Allele frequency attached by ClinVar (database versions not stated): gnomAD exomes 0.00002; TOPMed 0.00004; gnomAD 0.00008; ExAC 0.00011; 1000 Genomes Project 30x 0.00016; 1000 Genomes Project 0.00020.
gnomAD v4.1: 43 of 1,609,044 alleles (0.0027%); highest among the groups gnomAD compares: East Asian, 0.089%; no homozygotes.

Submission:

Labcorp Genetics (formerly Invitae), Labcorp
Classification: Uncertain significance for Spastic paraplegia. Last evaluated: 2025-07-07. Review status: criteria provided, single submitter. Criteria: Invitae Variant Classification Sherloc (09022015). Collection method: clinical testing. Allele origin: germline.
Comment: This sequence change replaces arginine, which is basic and polar, with lysine, which is basic and polar, at codon 1343 of the ZFYVE26 protein (p.Arg1343Lys). This variant is present in population databases (rs184263440, gnomAD 0.1%). This variant has not been reported in the literature in individuals affected with ZFYVE26-related conditions. ClinVar contains an entry for this variant (Variation ID: 2414483). An algorithm developed to predict the effect of missense changes on protein structure and function (PolyPhen-2) suggests that this variant is likely to be tolerated. In summary, the available evidence is currently insufficient to determine the role of this variant in disease. Therefore, it has been classified as a Variant of Uncertain Significance.